The following is an entry in ClinVar:

NM_001130987.2(DYSF):c.645_646delinsT (p.Thr216fs)

Gene: DYSF (dysferlin; plus strand). Cytogenetic location: 2p13.2.
Variant type: Indel.
Coding change: c.645_646delinsT on transcript NM_001130987.2 (MANE Select); coding-DNA positions 645 to 646, CA replaced by T.
Protein change: p.Thr216fs; shifts the reading frame from threonine 216.
Molecular consequence: frameshift variant.
Genome position (GRCh38, 1-based): chr2:71,513,807-71,513,808, CA replaced by T. VCF-style: chr2-71513807-CA-T. GRCh37 (hg19) VCF-style: chr2-71740937-CA-T.
Other names: c.552_553delinsT, p.Thr185fs (NM_001130984.2, NM_001130986.2, NM_001130455.2 and 1 more transcripts); c.645_646delinsT, p.Thr216fs (NM_001130985.2, NM_001130982.2); c.549_550delinsT, p.Thr184fs (NM_003494.4, NM_001130976.2, NM_001130977.2 and 1 more transcripts); c.642_643delinsT, p.Thr215fs (NM_001130979.2, NM_001130980.2, NM_001130981.2); short protein forms T184fs, T185fs, T215fs, T216fs.
Identifiers: ClinVar variation 1725536 (VCV001725536.3), dbSNP rs2545396065, ClinGen allele CA2580067789.
Genomic context (GRCh38, chr2:71,513,807, plus strand): 5'-GGGACTCACTGGAGATGAGGCGGAGCCATTCCTGGATCAAAGCGGAGGCCCGGGGGCTCC[CA>T]CCACCCCAAGGAAACTACCTTCACGTCCTCCGCCCCACTACCCCGGGATCAAAAGAAAGC-3'

ClinVar aggregate classification (germline): Likely pathogenic (1 of 4 stars; one submission).

Conditions:
Autosomal recessive limb-girdle muscular dystrophy. Identifiers: Orphanet 102015, MedGen C2931907, MONDO:0015152.

Submission:

Myriad Genetics, Inc.
Classification: Likely pathogenic for Autosomal recessive limb-girdle muscular dystrophy. Last evaluated: 2022-03-30. Review status: criteria provided, single submitter. Criteria: Myriad Autosomal Dominant, Autosomal Recessive and X-Linked Classification Criteria (2023). Collection method: clinical testing. Allele origin: unknown.
Comment: NM_003494.3(DYSF):c.549_550delCAinsT(T184Pfs*43) is expected to be pathogenic in the context of dysferlinopathy. This variant is predicted to lead to an abnormal or absent protein product due to the creation of a premature termination codon in DYSF, a gene where loss-of-function variants are known to be pathogenic. Please note: this variant was assessed in the context of healthy population screening.